The following is an entry in ClinVar:

ClinVar aggregate classification (germline): Uncertain significance. Review status: criteria provided, multiple submitters, no conflicts (2 of 4 stars). 4 submissions from 4 submitters: Uncertain significance (4). Last evaluated 2025-12-07.

Conditions:
Hereditary cancer-predisposing syndrome. Also called: Neoplastic Syndromes, Hereditary; Hereditary neoplastic syndrome; Tumor predisposition; Hereditary Cancer Syndrome. Identifiers: Orphanet 140162, MedGen C0027672, MeSH D009386, MONDO:0015356.
Microcephaly, normal intelligence and immunodeficiency (NBS). Also called: Immunodeficiency, microcephaly with normal intelligence; Ataxia telangiectasia variant V1; IMMUNODEFICIENCY, MICROCEPHALY, AND CHROMOSOMAL INSTABILITY; BERLIN BREAKAGE SYNDROME; SEEMANOVA SYNDROME II; Nijmegen breakage syndrome. Identifiers: Orphanet 647, MedGen C0398791, MONDO:0009623, OMIM 251260.

Submissions (4):

Ambry Genetics
Classification: Uncertain significance for Hereditary cancer-predisposing syndrome. Last evaluated: 2025-12-07. Review status: criteria provided, single submitter. Criteria: Ambry Variant Classification Scheme 2023. Collection method: clinical testing. Allele origin: germline.
Comment: The p.G103V variant (also known as c.308G>T), located in coding exon 3 of the NBN gene, results from a G to T substitution at nucleotide position 308. The glycine at codon 103 is replaced by valine, an amino acid with dissimilar properties. This amino acid position is poorly conserved in available vertebrate species. In addition, this alteration is predicted to be tolerated by in silico analysis. Since supporting evidence is limited at this time, the clinical significance of this alteration remains unclear.

Labcorp Genetics (formerly Invitae), Labcorp
Classification: Uncertain significance for Microcephaly, normal intelligence and immunodeficiency. Last evaluated: 2023-03-07. Review status: criteria provided, single submitter. Criteria: Invitae Variant Classification Sherloc (09022015). Collection method: clinical testing. Allele origin: germline.
Comment: In summary, the available evidence is currently insufficient to determine the role of this variant in disease. Therefore, it has been classified as a Variant of Uncertain Significance. Algorithms developed to predict the effect of sequence changes on RNA splicing suggest that this variant may create or strengthen a splice site. An algorithm developed to predict the effect of missense changes on protein structure and function (PolyPhen-2) suggests that this variant is likely to be tolerated. ClinVar contains an entry for this variant (Variation ID: 530751). This variant has not been reported in the literature in individuals affected with NBN-related conditions. This variant is not present in population databases (gnomAD no frequency). This sequence change replaces glycine, which is neutral and non-polar, with valine, which is neutral and non-polar, at codon 103 of the NBN protein (p.Gly103Val).

Genome-Nilou Lab
Classification: Uncertain significance for Microcephaly, normal intelligence and immunodeficiency. Last evaluated: 2021-11-07. Review status: criteria provided, single submitter. Criteria: ACMG Guidelines, 2015. Collection method: clinical testing. Allele origin: germline. Affected: no.

Quest Diagnostics Nichols Institute San Juan Capistrano
Classification: Uncertain significance. Last evaluated: 2018-12-07. Review status: criteria provided, single submitter. Criteria: Quest Diagnostics criteria. Collection method: clinical testing. Allele origin: germline.

NM_002485.5(NBN):c.308G>T (p.Gly103Val)

Gene: NBN (nibrin; minus strand). Cytogenetic location: 8q21.3.
Variant type: single nucleotide variant.
Coding change: c.308G>T on transcript NM_002485.5 (MANE Select); coding-DNA position 308, G replaced by T.
Protein change: p.Gly103Val; replaces glycine 103 with valine.
Molecular consequence: missense variant.
Genome position (GRCh38, 1-based): chr8:89,981,387, C>A on the plus strand (G>T on the coding strand, the complement: NBN is on the minus strand). VCF-style: chr8-89981387-C-A. GRCh37 (hg19) VCF-style: chr8-90993615-C-A.
Other names: c.62G>T, p.Gly21Val (NM_001024688.3); short protein forms G103V, G21V.
Identifiers: ClinVar variation 530751 (VCV000530751.16), dbSNP rs1554568272, ClinGen allele CA371662299.
Genomic context (GRCh38, chr8:89,981,387, plus strand): 5'-GGCTGAAACAAAGCTGTCCATTTTAAAATCAATTTTAAAATGTCTTACCTGAATTTACTT[C>A]CAAACACTCCAAAAGTAATACCATCCCCCGACTTCAAAGTTCGGGAAAAGCCATTCTGCA-3'
Protein context (NP_002476.2, residues 93-113): SGDGITFGVF[Gly103Val]SKFRIEYEPL